The following is an entry in ClinVar:

ClinVar aggregate classification (germline): Benign/Likely benign. Review status: criteria provided, multiple submitters, no conflicts (2 of 4 stars). 4 submissions from 4 submitters: Benign (1); Likely benign (3). Last evaluated 2024-08-21.

Conditions:
Hereditary cancer-predisposing syndrome. Also called: Hereditary Cancer Syndrome; Hereditary neoplastic syndrome; Neoplastic Syndromes, Hereditary; Tumor predisposition. Identifiers: Orphanet 140162, MedGen C0027672, MeSH D009386, MONDO:0015356.
Familial adenomatous polyposis 1 (FAP1). Also called: FAMILIAL ADENOMATOUS POLYPOSIS 1, ATTENUATED; POLYPOSIS, ADENOMATOUS INTESTINAL. Identifiers: MedGen C2713442, MONDO:0021056, OMIM 175100. Disease mechanism: loss of function.

gnomAD v4.1: 1 of 1,613,952 alleles (0.000062%); highest among the groups gnomAD compares: Non-Finnish European, 0.000085%; no homozygotes.

Submissions (4):

Labcorp Genetics (formerly Invitae), Labcorp
Classification: Likely benign for Familial adenomatous polyposis 1. Last evaluated: 2024-08-21. Review status: criteria provided, single submitter. Criteria: Invitae Variant Classification Sherloc (09022015). Collection method: clinical testing. Allele origin: germline.

Myriad Genetics, Inc.
Classification: Benign for Familial adenomatous polyposis 1. Last evaluated: 2024-04-12. Review status: criteria provided, single submitter. Criteria: Myriad Autosomal Dominant, Autosomal Recessive and X-Linked Classification Criteria (2023). Collection method: clinical testing. Allele origin: unknown.
Comment: This variant is considered benign. This variant is a silent/synonymous amino acid change and it is not expected to impact splicing.

Ambry Genetics
Classification: Likely benign for Hereditary cancer-predisposing syndrome. Last evaluated: 2023-01-28. Review status: criteria provided, single submitter. Criteria: Ambry Variant Classification Scheme 2023. Collection method: clinical testing. Allele origin: germline.

Sema4
Classification: Likely benign for Hereditary cancer-predisposing syndrome. Last evaluated: 2021-12-22. Review status: criteria provided, single submitter. Criteria: Sema4 Curation Guidelines. Collection method: curation. Allele origin: germline.

NM_000038.6(APC):c.8172C>G (p.Ser2724=)

Gene: APC (APC regulator of Wnt signaling pathway; plus strand). Cytogenetic location: 5q22.2.
Variant type: single nucleotide variant.
Coding change: c.8172C>G on transcript NM_000038.6 (MANE Select); coding-DNA position 8172, C replaced by G.
Protein change: p.Ser2724=; no amino-acid change (serine 2724 retained).
Molecular consequence: synonymous variant. On other transcripts: non-coding transcript variant (2).
Genome position (GRCh38, 1-based): chr5:112,843,766, C>G. VCF-style: chr5-112843766-C-G. GRCh37 (hg19) VCF-style: chr5-112179463-C-G.
Other names: c.8172C>G, p.Ser2724= (NM_001127510.3, NM_001354895.2, NM_001407450.1); c.8118C>G, p.Ser2706= (NM_001127511.3); c.8226C>G, p.Ser2742= (NM_001354896.2, NM_001407447.1, NM_001407448.1 and 1 more transcripts); c.8202C>G, p.Ser2734= (NM_001354897.2); c.8097C>G, p.Ser2699= (NM_001354898.2); c.8088C>G, p.Ser2696= (NM_001354899.2); c.8049C>G, p.Ser2683= (NM_001354900.2); c.7995C>G, p.Ser2665= (NM_001354901.2, NM_001407453.1); and 11 more.
Identifiers: ClinVar variation 1692436 (VCV001692436.9), dbSNP rs2150000409, ClinGen allele CA446211259.
Genomic context (GRCh38, chr5:112,843,766, plus strand): 5'-AAATGTGGGTAATGGCAGTGTTCCCATGCGTACCGTGGGTTTGGAAAATCGCCTGAACTC[C>G]TTTATTCAGGTGGATGCCCCTGACCAAAAAGGAACTGAGATAAAACCAGGACAAAATAAT-3'
Protein context (NP_000029.2, residues 2714-2734): RTVGLENRLN[Ser2724=]FIQVDAPDQK